The following is an entry in ClinVar:

ClinVar aggregate classification (germline): Uncertain significance. Review status: criteria provided, multiple submitters, no conflicts (2 of 4 stars). 4 submissions from 4 submitters: Uncertain significance (4). Last evaluated 2026-07-06.

Conditions:
Familial thoracic aortic aneurysm and aortic dissection (TAAD). Also called: Thoracic aortic aneurysms and dissections. Identifiers: Orphanet 91387, MedGen C4707243, MONDO:0019625.
COL3A1-related disorder. Also called: COL3A1-related condition.
Ehlers-Danlos syndrome, type 4 (EDSVASC). Also called: Ehlers-Danlos Syndrome Type IV; Ehlers-Danlos syndrome vascular type; Ehlers Danlos syndrome, ecchymotic type; Ehlers Danlos syndrome, arterial type; Ehlers Danlos syndrome, Sack-Barabas type. Identifiers: Orphanet 286, MedGen C0268338, MONDO:0017314, OMIM 130050.

Allele frequency attached by ClinVar (database versions not stated): gnomAD exomes below 0.00001.

Submissions (4):

Ambry Genetics
Classification: Uncertain significance for Familial thoracic aortic aneurysm and aortic dissection. Last evaluated: 2026-07-06. Review status: criteria provided, single submitter. Criteria: Ambry Variant Classification Scheme 2023. Collection method: clinical testing. Allele origin: germline.
Comment: The p.P305S variant (also known as c.913C>T), located in coding exon 13 of the COL3A1 gene, results from a C to T substitution at nucleotide position 913. The proline at codon 305 is replaced by serine, an amino acid with similar properties. This amino acid position is conserved. In addition, the in silico prediction for this alteration is inconclusive. Based on the available evidence, the clinical significance of this variant remains unclear.

Color Diagnostics, LLC DBA Color Health
Classification: Uncertain significance for Familial thoracic aortic aneurysm and aortic dissection. Last evaluated: 2025-06-23. Review status: criteria provided, single submitter. Criteria: ACMG Guidelines, 2015. Collection method: clinical testing. Allele origin: germline.
Comment: This missense variant replaces proline with serine at codon 305 of the COL3A1 protein. Computational prediction suggests that this variant may not impact protein structure and function. To our knowledge, functional studies have not been reported for this variant. This variant has not been reported in individuals affected with COL3A1-related disorders in the literature. This variant has been identified in 1/251316 chromosomes in the general population by the Genome Aggregation Database (gnomAD). The available evidence is insufficient to determine the role of this variant in disease conclusively. Therefore, this variant is classified as a Variant of Uncertain Significance.

Labcorp Genetics (formerly Invitae), Labcorp
Classification: Uncertain significance for Ehlers-Danlos syndrome, type 4. Last evaluated: 2025-06-11. Review status: criteria provided, single submitter. Criteria: Invitae Variant Classification Sherloc (09022015). Collection method: clinical testing. Allele origin: germline.
Comment: This sequence change replaces proline, which is neutral and non-polar, with serine, which is neutral and polar, at codon 305 of the COL3A1 protein (p.Pro305Ser). This variant is present in population databases (no rsID available, gnomAD 0.0009%). This variant has not been reported in the literature in individuals affected with COL3A1-related conditions. ClinVar contains an entry for this variant (Variation ID: 845220). Invitae Evidence Modeling of protein sequence and biophysical properties (such as structural, functional, and spatial information, amino acid conservation, physicochemical variation, residue mobility, and thermodynamic stability) indicates that this missense variant is not expected to disrupt COL3A1 protein function with a negative predictive value of 95%. In summary, the available evidence is currently insufficient to determine the role of this variant in disease. Therefore, it has been classified as a Variant of Uncertain Significance.

PreventionGenetics, part of Exact Sciences
Classification: Uncertain significance for COL3A1-related condition. Last evaluated: 2023-04-24. Review status: criteria provided, single submitter. Criteria: ACMG Guidelines, 2015. Collection method: clinical testing. Allele origin: germline.
Comment: The COL3A1 c.913C>T variant is predicted to result in the amino acid substitution p.Pro305Ser. To our knowledge, this variant has not been reported in the literature. This variant is reported in 0.00088% of alleles in individuals of European (Non-Finnish) descent in gnomAD. At this time, the clinical significance of this variant is uncertain due to the absence of conclusive functional and genetic evidence.

NM_000090.4(COL3A1):c.913C>T (p.Pro305Ser)

Gene: COL3A1 (collagen type III alpha 1 chain; plus strand). Cytogenetic location: 2q32.2.
Variant type: single nucleotide variant.
Coding change: c.913C>T on transcript NM_000090.4 (MANE Select); coding-DNA position 913, C replaced by T.
Protein change: p.Pro305Ser; replaces proline 305 with serine.
Molecular consequence: missense variant.
Genome position (GRCh38, 1-based): chr2:188,991,684, C>T. VCF-style: chr2-188991684-C-T. GRCh37 (hg19) VCF-style: chr2-189856410-C-T.
Other names: short protein forms P305S.
Identifiers: ClinVar variation 845220 (VCV000845220.12), dbSNP rs1204385773, ClinGen allele CA349849995.